The following is an entry in ClinVar:

ClinVar aggregate classification (germline): Likely benign. Review status: criteria provided, multiple submitters, no conflicts (2 of 4 stars). 2 submissions from 2 submitters: Likely benign (2). Last evaluated 2024-11-01.

Allele frequency attached by ClinVar (database versions not stated): ESP Exome Variant Server 0.00015; ExAC 0.00021; gnomAD exomes 0.00023 and 0.00024; gnomAD 0.00027 and 0.00028; TOPMed 0.00040.
gnomAD v4.1: 410 of 1,614,232 alleles (0.025%); highest among the groups gnomAD compares: Middle Eastern, 0.25%; 3 homozygotes.

Submissions (2):

CeGaT Center for Human Genetics Tuebingen
Classification: Likely benign. Last evaluated: 2024-11-01. Review status: criteria provided, single submitter. Criteria: CeGaT Center For Human Genetics Tuebingen Variant Classification Criteria Version 2. Collection method: clinical testing. Allele origin: germline. Affected: yes. Observed: 1 variant allele.
Comment: DNHD1: BP4, BP7

Labcorp Genetics (formerly Invitae), Labcorp
Classification: Likely benign. Last evaluated: 2019-12-31. Review status: criteria provided, single submitter. Criteria: Invitae Variant Classification Sherloc (09022015). Collection method: clinical testing. Allele origin: germline.

NM_144666.3(DNHD1):c.85T>C (p.Leu29=)

Gene: DNHD1 (dynein heavy chain domain 1; plus strand). Cytogenetic location: 11p15.4.
Variant type: single nucleotide variant.
Coding change: c.85T>C on transcript NM_144666.3 (MANE Select); coding-DNA position 85, T replaced by C.
Protein change: p.Leu29=; no amino-acid change (leucine 29 retained).
Molecular consequence: synonymous variant.
Genome position (GRCh38, 1-based): chr11:6,498,300, T>C. VCF-style: chr11-6498300-T-C. GRCh37 (hg19) VCF-style: chr11-6519530-T-C.
Other names: c.85T>C, p.Leu29= (NM_173589.4).
Identifiers: ClinVar variation 720850 (VCV000720850.18), dbSNP rs376102865, ClinGen allele CA5855268.